The following is an entry in ClinVar:

ClinVar aggregate classification (germline): Uncertain significance (1 of 4 stars; one submission).

Conditions:
Early-infantile DEE. Also called: Ohtahara syndrome; Early infantile epileptic encephalopathy with suppression bursts; Early infantile epileptic encephalopathy. Identifiers: Orphanet 1934, MedGen C0393706, MONDO:0800491.

Allele frequency attached by ClinVar (database versions not stated): gnomAD exomes below 0.00001.
gnomAD v4.1: 2 of 1,614,018 alleles (0.00012%); highest among the groups gnomAD compares: Non-Finnish European, 0.00017%; no homozygotes.

Submission:

Labcorp Genetics (formerly Invitae), Labcorp
Classification: Uncertain significance for Early-infantile DEE. Last evaluated: 2021-04-18. Review status: criteria provided, single submitter. Criteria: Invitae Variant Classification Sherloc (09022015). Collection method: clinical testing. Allele origin: germline.
Comment: In summary, the available evidence is currently insufficient to determine the role of this variant in disease. Therefore, it has been classified as a Variant of Uncertain Significance. Advanced modeling of protein sequence and biophysical properties (such as structural, functional, and spatial information, amino acid conservation, physicochemical variation, residue mobility, and thermodynamic stability) performed at Invitae indicates that this missense variant is not expected to disrupt KCNH5 protein function. This variant has not been reported in the literature in individuals with KCNH5-related conditions. This variant is not present in population databases (ExAC no frequency). This sequence change replaces isoleucine with valine at codon 305 of the KCNH5 protein (p.Ile305Val). The isoleucine residue is highly conserved and there is a small physicochemical difference between isoleucine and valine.

NM_139318.5(KCNH5):c.913A>G (p.Ile305Val)

Gene: KCNH5 (potassium voltage-gated channel subfamily H member 5; minus strand). Cytogenetic location: 14q23.2.
Variant type: single nucleotide variant.
Coding change: c.913A>G on transcript NM_139318.5 (MANE Select); coding-DNA position 913, A replaced by G.
Protein change: p.Ile305Val; replaces isoleucine 305 with valine.
Molecular consequence: missense variant.
Genome position (GRCh38, 1-based): chr14:62,980,901, T>C on the plus strand (A>G on the coding strand, the complement: KCNH5 is on the minus strand). VCF-style: chr14-62980901-T-C. GRCh37 (hg19) VCF-style: chr14-63447619-T-C.
Other names: c.913A>G, p.Ile305Val (NM_172375.3); short protein forms I305V.
Identifiers: ClinVar variation 1473709 (VCV001473709.9), dbSNP rs2139568205, ClinGen allele CA390103855.